The following is an entry in ClinVar:

ClinVar aggregate classification (germline): Likely benign. Review status: criteria provided, single submitter (1 of 4 stars). 2 submissions from 2 submitters: Likely benign (1). 1 of the submissions does not count toward it. Last evaluated 2021-09-24.

Conditions:
NTRK2-related disorder. Also called: NTRK2-related condition.

Allele frequency attached by ClinVar (database versions not stated): gnomAD exomes below 0.00001 and 0.00001; ExAC 0.00001; gnomAD 0.00001; TOPMed 0.00002.
gnomAD v4.1: 5 of 1,613,986 alleles (0.00031%); highest among the groups gnomAD compares: African/African-American, 0.0013%; no homozygotes.

Submissions (2):

Labcorp Genetics (formerly Invitae), Labcorp
Classification: Likely benign. Last evaluated: 2021-09-24. Review status: criteria provided, single submitter. Criteria: Invitae Variant Classification Sherloc (09022015). Collection method: clinical testing. Allele origin: germline.

PreventionGenetics, part of Exact Sciences
Classification: Likely benign for NTRK2-related condition. Last evaluated: 2021-11-12. Review status: no assertion criteria provided. Collection method: clinical testing. Allele origin: germline. Not counted in ClinVar's aggregate classification.
Comment: This variant is classified as likely benign based on ACMG/AMP sequence variant interpretation guidelines (Richards et al. 2015 PMID: 25741868, with internal and published modifications).

NM_006180.6(NTRK2):c.1521A>G (p.Pro507=)

Gene: NTRK2 (neurotrophic receptor tyrosine kinase 2; plus strand). Cytogenetic location: 9q21.33.
Variant type: single nucleotide variant.
Coding change: c.1521A>G on transcript NM_006180.6 (MANE Select); coding-DNA position 1521, A replaced by G.
Protein change: p.Pro507=; no amino-acid change (proline 507 retained).
Molecular consequence: synonymous variant.
Genome position (GRCh38, 1-based): chr9:84,867,319, A>G. VCF-style: chr9-84867319-A-G. GRCh37 (hg19) VCF-style: chr9-87482234-A-G.
Other names: c.1473A>G, p.Pro491= (NM_001018064.3, NM_001018066.3, NM_001369532.1 and 2 more transcripts); c.1521A>G, p.Pro507= (NM_001018065.2, NM_001369537.1); c.1437A>G, p.Pro479= (NM_001369534.1); c.1005A>G, p.Pro335= (NM_001369535.1); c.1053A>G, p.Pro351= (NM_001369536.1); c.1521A>G (NM_006180.4).
Identifiers: ClinVar variation 1540310 (VCV001540310.10), dbSNP rs758543269, ClinGen allele CA5105783.